The following is an entry in ClinVar:

NM_130384.3(ATRIP):c.1121C>T (p.Ala374Val)

Genes: ATRIP (ATR interacting protein; plus strand), ATRIP-TREX1 (ATRIP-TREX1 readthrough; plus strand). Cytogenetic location: 3p21.31.
Variant type: single nucleotide variant.
Coding change: c.1121C>T on transcript NM_130384.3 (MANE Select); coding-DNA position 1121, C replaced by T.
Protein change: p.Ala374Val; replaces alanine 374 with valine.
Molecular consequence: missense variant. On other transcripts: non-coding transcript variant (1).
Genome position (GRCh38, 1-based): chr3:48,460,175, C>T. VCF-style: chr3-48460175-C-T. GRCh37 (hg19) VCF-style: chr3-48501574-C-T.
Other names: c.740C>T, p.Ala247Val (NM_001271022.2); c.842C>T, p.Ala281Val (NM_001271023.2); c.1121C>T, p.Ala374Val (NM_032166.4); short protein forms A281V, A247V, A374V.
Identifiers: ClinVar variation 2083488 (VCV002083488.5), dbSNP rs139437729, ClinGen allele CA2376148.

ClinVar aggregate classification (germline): Uncertain significance. Review status: criteria provided, multiple submitters, no conflicts (2 of 4 stars). 2 submissions from 2 submitters: Uncertain significance (2). Last evaluated 2024-12-04.

Allele frequency attached by ClinVar (database versions not stated): gnomAD exomes 0.00002; ExAC 0.00007; 1000 Genomes Project 30x 0.00016; 1000 Genomes Project 0.00020; ESP Exome Variant Server 0.00023; TOPMed 0.00027; gnomAD 0.00028.
gnomAD v4.1: 72 of 1,614,052 alleles (0.0045%); highest among the groups gnomAD compares: African/African-American, 0.084%; no homozygotes.

Submissions (2):

Ambry Genetics
Classification: Uncertain significance. Last evaluated: 2024-12-04. Review status: criteria provided, single submitter. Criteria: Ambry Variant Classification Scheme 2023. Collection method: clinical testing. Allele origin: germline.

Labcorp Genetics (formerly Invitae), Labcorp
Classification: Uncertain significance. Last evaluated: 2024-10-30. Review status: criteria provided, single submitter. Criteria: Invitae Variant Classification Sherloc (09022015). Collection method: clinical testing. Allele origin: germline.
Comment: This sequence change replaces alanine, which is neutral and non-polar, with valine, which is neutral and non-polar, at codon 374 of the ATRIP protein (p.Ala374Val). This variant is present in population databases (rs139437729, gnomAD 0.09%), and has an allele count higher than expected for a pathogenic variant. This variant has not been reported in the literature in individuals affected with ATRIP-related conditions. ClinVar contains an entry for this variant (Variation ID: 2083488). An algorithm developed to predict the effect of missense changes on protein structure and function (PolyPhen-2) suggests that this variant is likely to be disruptive. In summary, the available evidence is currently insufficient to determine the role of this variant in disease. Therefore, it has been classified as a Variant of Uncertain Significance.